The following is an entry in ClinVar:

ClinVar aggregate classification (germline): Conflicting classifications of pathogenicity. Review status: criteria provided, conflicting classifications (1 of 4 stars). 9 submissions from 6 submitters: Uncertain significance (4); Benign (1); Likely benign (4). Last evaluated 2026-07-15.

Conditions:
Familial hypocalciuric hypercalcemia (FHH). Also called: Familial benign hypercalcemia. Identifiers: Orphanet 405, MedGen C1809471, MONDO:0018458.
Autosomal dominant hypocalcemia 1 (HYPOC1). Also called: HYPOCALCEMIA, FAMILIAL. Identifiers: MedGen C3715128, MONDO:0011013, OMIM 601198.
Nephrolithiasis/nephrocalcinosis. Identifiers: MedGen CN580796.
Neonatal severe primary hyperparathyroidism. Identifiers: Orphanet 417, MedGen C1832615, MONDO:0009397, OMIM 239200.
Familial hypoparathyroidism. Also called: Familial isolated hypoparathyroidism. Identifiers: Orphanet 2238, MedGen C1832648, MONDO:0016390.
CASR-related disorder. Also called: CASR-related condition.
Familial hypocalciuric hypercalcemia 1. Also called: Hypercalcemia, familial benign type 1. Identifiers: Orphanet 405, Orphanet 93372, MedGen C0342637, MONDO:0007791, OMIM 145980.

Allele frequency attached by ClinVar (database versions not stated): TOPMed 0.00002; 1000 Genomes Project 30x 0.00031.
gnomAD v4.1: 34 of 1,613,968 alleles (0.0021%); highest among the groups gnomAD compares: Admixed American, 0.005%; no homozygotes.

Submissions (9):

PreventionGenetics, part of Exact Sciences
Classification: Likely benign for CASR-related condition. Last evaluated: 2026-07-15. Review status: criteria provided, single submitter. Criteria: ACMG Guidelines, 2015. Collection method: clinical testing. Allele origin: germline.
Comment: This variant is classified as likely benign based on ACMG/AMP sequence variant interpretation guidelines (Richards et al. 2015 PMID: 25741868, with internal and published modifications).

Labcorp Genetics (formerly Invitae), Labcorp
Classification: Likely benign for Familial hypocalciuric hypercalcemia; Autosomal dominant hypocalcemia 1. Last evaluated: 2025-10-27. Review status: criteria provided, single submitter. Criteria: Invitae Variant Classification Sherloc (09022015). Collection method: clinical testing. Allele origin: germline.

CeGaT Center for Human Genetics Tuebingen
Classification: Likely benign. Last evaluated: 2025-01-01. Review status: criteria provided, single submitter. Criteria: CeGaT Center For Human Genetics Tuebingen Variant Classification Criteria Version 2. Collection method: clinical testing. Allele origin: germline. Affected: yes. Observed: 1 variant allele.
Comment: CASR: BP4, BP7

Ambry Genetics
Classification: Likely benign for Nephrolithiasis/nephrocalcinosis. Last evaluated: 2021-08-12. Review status: criteria provided, single submitter. Criteria: Ambry Variant Classification Scheme 2023. Collection method: clinical testing. Allele origin: germline.

Athena Diagnostics
Classification: Benign. Last evaluated: 2018-01-26. Review status: criteria provided, single submitter. Criteria: Athena Diagnostics Criteria. Collection method: clinical testing. Allele origin: germline.

Illumina Laboratory Services, Illumina
Classification: Uncertain significance for Familial isolated hypoparathyroidism. Last evaluated: 2017-04-27. Review status: criteria provided, single submitter. Criteria: ICSL Variant Classification Criteria 13 December 2019. Collection method: clinical testing. Allele origin: germline.

Illumina Laboratory Services, Illumina
Classification: Uncertain significance for Familial hypocalciuric hypercalcemia 1. Last evaluated: 2017-04-27. Review status: criteria provided, single submitter. Criteria: ICSL Variant Classification Criteria 13 December 2019. Collection method: clinical testing. Allele origin: germline.

Illumina Laboratory Services, Illumina
Classification: Uncertain significance for Neonatal severe primary hyperparathyroidism. Last evaluated: 2017-04-27. Review status: criteria provided, single submitter. Criteria: ICSL Variant Classification Criteria 13 December 2019. Collection method: clinical testing. Allele origin: germline.

Illumina Laboratory Services, Illumina
Classification: Uncertain significance for Autosomal dominant hypocalcemia 1. Last evaluated: 2017-04-27. Review status: criteria provided, single submitter. Criteria: ICSL Variant Classification Criteria 13 December 2019. Collection method: clinical testing. Allele origin: germline.

NM_000388.4(CASR):c.3234A>T (p.Ser1078=)

Gene: CASR (calcium sensing receptor; plus strand). Cytogenetic location: 3q21.1.
Variant type: single nucleotide variant.
Coding change: c.3234A>T on transcript NM_000388.4 (MANE Select); coding-DNA position 3234, A replaced by T.
Protein change: p.Ser1078=; no amino-acid change (serine 1078 retained).
Molecular consequence: synonymous variant.
Genome position (GRCh38, 1-based): chr3:122,285,188, A>T. VCF-style: chr3-122285188-A-T. GRCh37 (hg19) VCF-style: chr3-122004035-A-T.
Other names: c.3264A>T (NM_001178065.1); c.3264A>T, p.Ser1088= (NM_001178065.2).
Identifiers: ClinVar variation 532639 (VCV000532639.32), dbSNP rs556263764, ClinGen allele CA2569950.